The following is an entry in ClinVar:

NM_025137.4(SPG11):c.5362G>A (p.Val1788Met)

Gene: SPG11 (SPG11 vesicle trafficking associated, spatacsin; minus strand). Cytogenetic location: 15q21.1.
Variant type: single nucleotide variant.
Coding change: c.5362G>A on transcript NM_025137.4 (MANE Select); coding-DNA position 5362, G replaced by A.
Protein change: p.Val1788Met; replaces valine 1788 with methionine.
Molecular consequence: missense variant.
Genome position (GRCh38, 1-based): chr15:44,584,318, C>T on the plus strand (G>A on the coding strand, the complement: SPG11 is on the minus strand). VCF-style: chr15-44584318-C-T. GRCh37 (hg19) VCF-style: chr15-44876516-C-T.
Other names: p.Val1788Met; c.5362G>A, p.Val1788Met (NM_001160227.2); short protein forms V1788M.
Identifiers: ClinVar variation 291092 (VCV000291092.14), dbSNP rs200918991, ClinGen allele CA7534425.

ClinVar aggregate classification (germline): Uncertain significance. Review status: criteria provided, multiple submitters, no conflicts (2 of 4 stars). 8 submissions from 6 submitters: Uncertain significance (8). Last evaluated 2025-08-21.

Conditions:
Charcot-Marie-Tooth disease axonal type 2X. Also called: CHARCOT-MARIE-TOOTH NEUROPATHY, TYPE 2X; CHARCOT-MARIE-TOOTH DISEASE, AXONAL, AUTOSOMAL RECESSIVE, TYPE 2X. Identifiers: Orphanet 466775, MedGen C5569024, MONDO:0014726, OMIM 616668.
Amyotrophic lateral sclerosis type 5 (ALS5). Also called: AMYOTROPHIC LATERAL SCLEROSIS 5, JUVENILE. Identifiers: Orphanet 300605, MedGen C1865864, MONDO:0011196, OMIM 602099.
Inborn genetic diseases. Identifiers: MedGen C0950123, MeSH D030342.
Hereditary spastic paraplegia 11. Also called: Spastic Paraplegia 11; Spastic paraplegia, mental retardation and thin corpus callosum; SPASTIC PARAPLEGIA, AUTOSOMAL RECESSIVE, COMPLICATED, WITH THIN CORPUS CALLOSUM; SPASTIC PARAPLEGIA, AUTOSOMAL RECESSIVE, WITH MENTAL IMPAIRMENT AND THIN CORPUS CALLOSUM; Nakamura Osame syndrome; Autosomal recessive hereditary spastic paraplegia, mental impairment, and thin corpus callosum. Identifiers: Orphanet 2822, MedGen C1858479, MONDO:0011445, OMIM 604360.

Allele frequency attached by ClinVar (database versions not stated): gnomAD 0.00003; ExAC 0.00005; gnomAD exomes 0.00005; TOPMed 0.00005; ESP Exome Variant Server 0.00008; 1000 Genomes Project 30x 0.00016; 1000 Genomes Project 0.00020.
gnomAD v4.1: 56 of 1,611,324 alleles (0.0035%); highest among the groups gnomAD compares: Admixed American, 0.0084%; no homozygotes.

Submissions (8):

Ambry Genetics
Classification: Uncertain significance for Inborn genetic diseases. Last evaluated: 2025-08-21. Review status: criteria provided, single submitter. Criteria: Ambry Variant Classification Scheme 2023. Collection method: clinical testing. Allele origin: germline.

Mayo Clinic Laboratories, Mayo Clinic
Classification: Uncertain significance. Last evaluated: 2023-01-06. Review status: criteria provided, single submitter. Criteria: ACMG Guidelines, 2015. Collection method: clinical testing. Allele origin: germline. Observed: 1 variant allele.
Comment: BP4, PM2

Labcorp Genetics (formerly Invitae), Labcorp
Classification: Uncertain significance for Hereditary spastic paraplegia 11. Last evaluated: 2022-09-27. Review status: criteria provided, single submitter. Criteria: Invitae Variant Classification Sherloc (09022015). Collection method: clinical testing. Allele origin: germline.
Comment: This sequence change replaces valine, which is neutral and non-polar, with methionine, which is neutral and non-polar, at codon 1788 of the SPG11 protein (p.Val1788Met). This variant is present in population databases (rs200918991, gnomAD 0.01%). This variant has not been reported in the literature in individuals affected with SPG11-related conditions. ClinVar contains an entry for this variant (Variation ID: 291092). Advanced modeling of protein sequence and biophysical properties (such as structural, functional, and spatial information, amino acid conservation, physicochemical variation, residue mobility, and thermodynamic stability) performed at Invitae indicates that this missense variant is not expected to disrupt SPG11 protein function. In summary, the available evidence is currently insufficient to determine the role of this variant in disease. Therefore, it has been classified as a Variant of Uncertain Significance.

GeneDx
Classification: Uncertain significance. Last evaluated: 2019-05-14. Review status: criteria provided, single submitter. Criteria: GeneDx Variant Classification Process June 2021. Collection method: clinical testing. Allele origin: germline. Affected: yes.
Comment: Not observed at a significant frequency in large population cohorts (Lek et al., 2016); In silico analysis, which includes protein predictors and evolutionary conservation, supports that this variant does not alter protein structure/function; Has not been previously published as pathogenic or benign to our knowledge

Eurofins Ntd Llc (ga)
Classification: Uncertain significance. Last evaluated: 2016-09-01. Review status: criteria provided, single submitter. Criteria: EGL Classification Definitions 2015. Collection method: clinical testing. Allele origin: germline. Observed: 2 variant alleles, 2 heterozygotes.

Genome-Nilou Lab
Classification: Uncertain significance for Amyotrophic lateral sclerosis type 5. Review status: criteria provided, single submitter. Criteria: ACMG Guidelines, 2015. Collection method: clinical testing. Allele origin: germline.

Genome-Nilou Lab
Classification: Uncertain significance for Charcot-Marie-Tooth disease axonal type 2X. Review status: criteria provided, single submitter. Criteria: ACMG Guidelines, 2015. Collection method: clinical testing. Allele origin: germline.

Genome-Nilou Lab
Classification: Uncertain significance for Hereditary spastic paraplegia 11. Review status: criteria provided, single submitter. Criteria: ACMG Guidelines, 2015. Collection method: clinical testing. Allele origin: germline.